The following is an entry in ClinVar:

NM_001111125.3(IQSEC2):c.355C>G (p.Arg119Gly)

Gene: IQSEC2 (IQ motif and Sec7 domain ArfGEF 2; minus strand). Cytogenetic location: Xp11.22.
Variant type: single nucleotide variant.
Coding change: c.355C>G on transcript NM_001111125.3 (MANE Select); coding-DNA position 355, C replaced by G.
Protein change: p.Arg119Gly; replaces arginine 119 with glycine.
Molecular consequence: missense variant.
Genome position (GRCh38, 1-based): chrX:53,320,769, G>C on the plus strand (C>G on the coding strand, the complement: IQSEC2 is on the minus strand). VCF-style: chrX-53320769-G-C. GRCh37 (hg19) VCF-style: chrX-53349967-G-C.
Other names: short protein forms R119G.
Identifiers: ClinVar variation 839218 (VCV000839218.4), dbSNP rs2075423381, ClinGen allele CA413239530.

ClinVar aggregate classification (germline): Uncertain significance (1 of 4 stars; one submission).

Conditions:
Intellectual developmental disorder, X-linked 1. Also called: Atkin Flaitz Patil Smith syndrome; MENTAL RETARDATION, X-LINKED 18; MENTAL RETARDATION, X-LINKED 78; Intellectual disability, X-linked 1. Identifiers: Orphanet 777, MedGen C2931498, MONDO:0010656, OMIM 309530.

Submission:

Labcorp Genetics (formerly Invitae), Labcorp
Classification: Uncertain significance for Intellectual developmental disorder, X-linked 1. Last evaluated: 2023-02-04. Review status: criteria provided, single submitter. Criteria: Invitae Variant Classification Sherloc (09022015). Collection method: clinical testing. Allele origin: germline.
Comment: This sequence change replaces arginine, which is basic and polar, with glycine, which is neutral and non-polar, at codon 119 of the IQSEC2 protein (p.Arg119Gly). This variant is not present in population databases (gnomAD no frequency). This variant has not been reported in the literature in individuals affected with IQSEC2-related conditions. ClinVar contains an entry for this variant (Variation ID: 839218). Advanced modeling of protein sequence and biophysical properties (such as structural, functional, and spatial information, amino acid conservation, physicochemical variation, residue mobility, and thermodynamic stability) performed at Invitae indicates that this missense variant is not expected to disrupt IQSEC2 protein function. In summary, the available evidence is currently insufficient to determine the role of this variant in disease. Therefore, it has been classified as a Variant of Uncertain Significance.